The following is an entry in ClinVar:

NM_024649.5(BBS1):c.556G>A (p.Val186Ile)

Gene: BBS1 (Bardet-Biedl syndrome 1; plus strand). Cytogenetic location: 11q13.2.
Variant type: single nucleotide variant.
Coding change: c.556G>A on transcript NM_024649.5 (MANE Select); coding-DNA position 556, G replaced by A.
Protein change: p.Val186Ile; replaces valine 186 with isoleucine.
Molecular consequence: missense variant.
Genome position (GRCh38, 1-based): chr11:66,515,898, G>A. VCF-style: chr11-66515898-G-A. GRCh37 (hg19) VCF-style: chr11-66283369-G-A.
Other names: c.556G>A (NM_024649.4); short protein forms V186I.
Identifiers: ClinVar variation 3687633 (VCV003687633.3).

ClinVar aggregate classification (germline): Uncertain significance. Review status: criteria provided, single submitter (1 of 4 stars). 2 submissions from 2 submitters: Uncertain significance (1). 1 of the submissions does not count toward it. Last evaluated 2025-04-10.

Conditions:
Bardet-Biedl syndrome 1 (BBS1). Identifiers: MedGen C2936862, MONDO:0008854, OMIM 209900. Disease mechanism: loss of function.
Bardet-Biedl syndrome (BBS). Identifiers: Orphanet 110, MedGen C0752166, MONDO:0015229.

gnomAD v4.1: 3 of 1,614,178 alleles (0.00019%); highest among the groups gnomAD compares: South Asian, 0.0011%; no homozygotes.

Submissions (2):

Labcorp Genetics (formerly Invitae), Labcorp
Classification: Uncertain significance for Bardet-Biedl syndrome. Last evaluated: 2025-04-10. Review status: criteria provided, single submitter. Criteria: Invitae Variant Classification Sherloc (09022015). Collection method: clinical testing. Allele origin: germline.
Comment: This sequence change replaces valine, which is neutral and non-polar, with isoleucine, which is neutral and non-polar, at codon 186 of the BBS1 protein (p.Val186Ile). This variant is not present in population databases (gnomAD no frequency). This variant has not been reported in the literature in individuals affected with BBS1-related conditions. ClinVar contains an entry for this variant (Variation ID: 3687633). Invitae Evidence Modeling of protein sequence and biophysical properties (such as structural, functional, and spatial information, amino acid conservation, physicochemical variation, residue mobility, and thermodynamic stability) has been performed for this missense variant. However, the output from this modeling did not meet the statistical confidence thresholds required to predict the impact of this variant on BBS1 protein function. In summary, the available evidence is currently insufficient to determine the role of this variant in disease. Therefore, it has been classified as a Variant of Uncertain Significance.

Natera, Inc.
Classification: Uncertain significance for Bardet-Biedl syndrome type 1. Last evaluated: 2025-01-06. Review status: no assertion criteria provided. Collection method: clinical testing. Allele origin: germline. Not counted in ClinVar's aggregate classification.